The following is an entry in ClinVar:

NM_012073.5(CCT5):c.748A>G (p.Ile250Val)

Gene: CCT5 (chaperonin containing TCP1 subunit 5; plus strand). Cytogenetic location: 5p15.2.
Variant type: single nucleotide variant.
Coding change: c.748A>G on transcript NM_012073.5 (MANE Select); coding-DNA position 748, A replaced by G.
Protein change: p.Ile250Val; replaces isoleucine 250 with valine.
Molecular consequence: missense variant.
Genome position (GRCh38, 1-based): chr5:10,258,410, A>G. VCF-style: chr5-10258410-A-G. GRCh37 (hg19) VCF-style: chr5-10258522-A-G.
Other names: c.685A>G, p.Ile229Val (NM_001306153.1); c.583A>G, p.Ile195Val (NM_001306154.2); c.469A>G, p.Ile157Val (NM_001306155.2); c.634A>G, p.Ile212Val (NM_001306156.2); short protein forms I157V, I195V, I212V, I229V, I250V.
Identifiers: ClinVar variation 647544 (VCV000647544.9), dbSNP rs200819422, ClinGen allele CA3198163.

ClinVar aggregate classification (germline): Uncertain significance (1 of 4 stars; one submission).

Conditions:
Hereditary sensory and autonomic neuropathy with spastic paraplegia (HSNSP). Identifiers: Orphanet 139578, MedGen C1850395, MONDO:0009748, OMIM 256840.

Allele frequency attached by ClinVar (database versions not stated): ExAC 0.00003; gnomAD exomes 0.00003; TOPMed 0.00003; gnomAD 0.00005; 1000 Genomes Project 30x 0.00016; 1000 Genomes Project 0.00020.

Submission:

Labcorp Genetics (formerly Invitae), Labcorp
Classification: Uncertain significance for Hereditary sensory and autonomic neuropathy with spastic paraplegia. Last evaluated: 2025-01-10. Review status: criteria provided, single submitter. Criteria: Invitae Variant Classification Sherloc (09022015). Collection method: clinical testing. Allele origin: germline.
Comment: This sequence change replaces isoleucine, which is neutral and non-polar, with valine, which is neutral and non-polar, at codon 250 of the CCT5 protein (p.Ile250Val). This variant is present in population databases (rs200819422, gnomAD 0.007%). This variant has not been reported in the literature in individuals affected with CCT5-related conditions. ClinVar contains an entry for this variant (Variation ID: 647544). Invitae Evidence Modeling of protein sequence and biophysical properties (such as structural, functional, and spatial information, amino acid conservation, physicochemical variation, residue mobility, and thermodynamic stability) indicates that this missense variant is not expected to disrupt CCT5 protein function with a negative predictive value of 80%. In summary, the available evidence is currently insufficient to determine the role of this variant in disease. Therefore, it has been classified as a Variant of Uncertain Significance.